The following is an entry in ClinVar:

NM_001040108.2(MLH3):c.4198A>C (p.Met1400Leu)

Gene: MLH3 (mutL homolog 3; minus strand). Cytogenetic location: 14q24.3.
Variant type: single nucleotide variant.
Coding change: c.4198A>C on transcript NM_001040108.2 (MANE Select); coding-DNA position 4198, A replaced by C.
Protein change: p.Met1400Leu; replaces methionine 1400 with leucine.
Molecular consequence: missense variant.
Genome position (GRCh38, 1-based): chr14:75,018,873, T>G on the plus strand (A>C on the coding strand, the complement: MLH3 is on the minus strand). VCF-style: chr14-75018873-T-G. GRCh37 (hg19) VCF-style: chr14-75485576-T-G.
Other names: c.4126A>C, p.Met1376Leu (NM_014381.3); short protein forms M1376L, M1400L.
Identifiers: ClinVar variation 3649135 (VCV003649135.2).

ClinVar aggregate classification (germline): Uncertain significance (1 of 4 stars; one submission).

Conditions:
Colorectal cancer, hereditary nonpolyposis, type 7. Identifiers: Orphanet 144, MedGen C1858380, MONDO:0013725, OMIM 614385.

Submission:

Labcorp Genetics (formerly Invitae), Labcorp
Classification: Uncertain significance for Colorectal cancer, hereditary nonpolyposis, type 7. Last evaluated: 2024-04-08. Review status: criteria provided, single submitter. Criteria: Invitae Variant Classification Sherloc (09022015). Collection method: clinical testing. Allele origin: germline.
Comment: This sequence change replaces methionine, which is neutral and non-polar, with leucine, which is neutral and non-polar, at codon 1400 of the MLH3 protein (p.Met1400Leu). This variant is not present in population databases (gnomAD no frequency). This variant has not been reported in the literature in individuals affected with MLH3-related conditions. An algorithm developed to predict the effect of missense changes on protein structure and function (PolyPhen-2) suggests that this variant is likely to be tolerated. In summary, the available evidence is currently insufficient to determine the role of this variant in disease. Therefore, it has been classified as a Variant of Uncertain Significance.